The following is an entry in ClinVar:

NM_016938.5(EFEMP2):c.1110C>T (p.Pro370=)

Gene: EFEMP2 (EGF-like fibulin extracellular matrix protein 2; minus strand). Cytogenetic location: 11q13.1.
Variant type: single nucleotide variant.
Coding change: c.1110C>T on transcript NM_016938.5 (MANE Select); coding-DNA position 1110, C replaced by T.
Protein change: p.Pro370=; no amino-acid change (proline 370 retained).
Molecular consequence: synonymous variant. On other transcripts: non-coding transcript variant (1).
Genome position (GRCh38, 1-based): chr11:65,867,921, G>A on the plus strand (C>T on the coding strand, the complement: EFEMP2 is on the minus strand). VCF-style: chr11-65867921-G-A. GRCh37 (hg19) VCF-style: chr11-65635392-G-A.
Identifiers: ClinVar variation 749027 (VCV000749027.12), dbSNP rs146180527, ClinGen allele CA6110406.

ClinVar aggregate classification (germline): Likely benign. Review status: criteria provided, multiple submitters, no conflicts (2 of 4 stars). 3 submissions from 3 submitters: Likely benign (3). Last evaluated 2026-01-25.

Conditions:
Cutis laxa, autosomal recessive, type 1B (ARCL1B). Also called: CUTIS LAXA, AUTOSOMAL RECESSIVE, TYPE IB; EFEMP2-Related Cutis Laxa. Identifiers: Orphanet 90349, MedGen C3280798, MONDO:0013754, OMIM 614437. Disease mechanism: loss of function.
Cardiovascular phenotype. Identifiers: MedGen CN230736.

Allele frequency attached by ClinVar (database versions not stated): gnomAD exomes 0.00004; ExAC 0.00006; TOPMed 0.00008; 1000 Genomes Project 30x 0.00016; 1000 Genomes Project 0.00020.
gnomAD v4.1: 34 of 1,614,118 alleles (0.0021%); highest among the groups gnomAD compares: African/African-American, 0.028%; no homozygotes.

Submissions (3):

Labcorp Genetics (formerly Invitae), Labcorp
Classification: Likely benign for Cutis laxa, autosomal recessive, type 1B. Last evaluated: 2026-01-25. Review status: criteria provided, single submitter. Criteria: Invitae Variant Classification Sherloc (09022015). Collection method: clinical testing. Allele origin: germline.

Ambry Genetics
Classification: Likely benign for Cardiovascular phenotype. Last evaluated: 2023-11-04. Review status: criteria provided, single submitter. Criteria: Ambry Variant Classification Scheme 2023. Collection method: clinical testing. Allele origin: germline.

GeneDx
Classification: Likely benign. Last evaluated: 2019-04-03. Review status: criteria provided, single submitter. Criteria: GeneDx Variant Classification Process June 2021. Collection method: clinical testing. Allele origin: germline. Affected: yes.
Comment: See Variant Classification Assertion Criteria.